The following is an entry in ClinVar:

ClinVar aggregate classification (germline): Likely benign. Review status: criteria provided, single submitter (1 of 4 stars). 3 submissions from 3 submitters: Likely benign (1). 2 of the submissions do not count toward it. Last evaluated 2017-04-28.

Conditions:
Deficiency of phosphoserine phosphatase (PSPHD). Also called: Phosphoserine phosphatase deficiency; PSPH deficiency. Identifiers: Orphanet 79350, MedGen C1291463, MONDO:0013531, OMIM 614023.

Allele frequency attached by ClinVar (database versions not stated): 1000 Genomes Project 30x 0.36024; ExAC 0.00851.

Submissions (3):

Illumina Laboratory Services, Illumina
Classification: Likely benign for Deficiency of phosphoserine phosphatase. Last evaluated: 2017-04-28. Review status: criteria provided, single submitter. Criteria: ICSL Variant Classification Criteria 13 December 2019. Collection method: clinical testing. Allele origin: germline.
Comment: This variant was observed as part of a predisposition screen in an ostensibly healthy population. A literature search was performed for the gene, cDNA change, and amino acid change (where applicable). Publications were found based on this search. The evidence from the literature, in combination with allele frequency data from public databases where available, was sufficient to determine this variant is unlikely to cause disease. Therefore, this variant is classified as likely benign.

Diagnostic Laboratory, Department of Genetics, University Medical Center Groningen
Classification: Likely benign. Review status: no assertion criteria provided. Collection method: clinical testing. Allele origin: germline. Affected: yes. Study: VKGL Data-share Consensus. Not counted in ClinVar's aggregate classification.

Laboratory of Diagnostic Genome Analysis, Leiden University Medical Center (LUMC)
Classification: Likely benign. Review status: no assertion criteria provided. Collection method: clinical testing. Allele origin: germline. Affected: yes. Study: VKGL Data-share Consensus. Not counted in ClinVar's aggregate classification.

Literature cited by the submitters: PubMed 24146633 (cited by Illumina Laboratory Services, Illumina).

NM_004577.4(PSPH):c.249A>C (p.Gln83His)

Gene: PSPH (phosphoserine phosphatase; minus strand). Cytogenetic location: 7p11.2.
Variant type: single nucleotide variant.
Coding change: c.249A>C on transcript NM_004577.4 (MANE Select); coding-DNA position 249, A replaced by C.
Protein change: p.Gln83His; replaces glutamine 83 with histidine.
Molecular consequence: missense variant.
Genome position (GRCh38, 1-based): chr7:56,019,626, T>G on the plus strand (A>C on the coding strand, the complement: PSPH is on the minus strand). VCF-style: chr7-56019626-T-G. GRCh37 (hg19) VCF-style: chr7-56087319-T-G.
Other names: c.249A>C, p.Gln83His (NM_001370503.1, NM_001370504.1, NM_001370505.1 and 17 more transcripts); short protein forms Q83H.
Identifiers: ClinVar variation 360506 (VCV000360506.9), dbSNP rs73343757, ClinGen allele CA4268729.
Genomic context (GRCh38, chr7:56,019,626, plus strand): 5'-GCTGAAATACACCTGGAGCCGGGGTTCCTCTTACCTTATGCCGGGGGTCAGGTGTGGGGG[T>G]TGCTCTGCTATGAGTCTCTGCACCTGCTCCCTGGAGGGCTGGATGAGGGCTAAGCGCTCT-3'
Protein context (NP_004568.2, residues 73-93): REQVQRLIAE[Gln83His]PPHLTPGIRE